The following is an entry in ClinVar:

ClinVar aggregate classification (germline): Uncertain significance. Review status: criteria provided, multiple submitters, no conflicts (2 of 4 stars). 3 submissions from 3 submitters: Uncertain significance (3). Last evaluated 2025-12-11.

Conditions:
Combined immunodeficiency due to OX40 deficiency. Also called: OX40 DEFICIENCY; Immunodeficiency 16. Identifiers: Orphanet 431149, MedGen C3810053, MONDO:0014268, OMIM 615593.

Allele frequency attached by ClinVar (database versions not stated): gnomAD exomes 0.00004 and 0.00006; TOPMed 0.00008; gnomAD 0.00009 and 0.00010; ExAC 0.00013.

Submissions (3):

Labcorp Genetics (formerly Invitae), Labcorp
Classification: Uncertain significance for Combined immunodeficiency due to OX40 deficiency. Last evaluated: 2025-12-11. Review status: criteria provided, single submitter. Criteria: Invitae Variant Classification Sherloc (09022015). Collection method: clinical testing. Allele origin: germline.
Comment: This sequence change replaces glycine, which is neutral and non-polar, with arginine, which is basic and polar, at codon 211 of the TNFRSF4 protein (p.Gly211Arg). This variant is present in population databases (rs757565777, gnomAD 0.01%). This variant has not been reported in the literature in individuals affected with TNFRSF4-related conditions. ClinVar contains an entry for this variant (Variation ID: 950362). Invitae Evidence Modeling of protein sequence and biophysical properties (such as structural, functional, and spatial information, amino acid conservation, physicochemical variation, residue mobility, and thermodynamic stability) indicates that this missense variant is not expected to disrupt TNFRSF4 protein function with a negative predictive value of 80%. In summary, the available evidence is currently insufficient to determine the role of this variant in disease. Therefore, it has been classified as a Variant of Uncertain Significance.

Blueprint Genetics
Classification: Uncertain significance. Last evaluated: 2023-12-26. Review status: criteria provided, single submitter. Criteria: ACMG Guidelines, 2015. Collection method: clinical testing. Allele origin: germline.

CeGaT Center for Human Genetics Tuebingen
Classification: Uncertain significance. Last evaluated: 2023-02-01. Review status: criteria provided, single submitter. Criteria: CeGaT Center For Human Genetics Tuebingen Variant Classification Criteria Version 2. Collection method: clinical testing. Allele origin: germline. Affected: yes. Observed: 1 variant allele.
Comment: TNFRSF4: PM2, BP4

NM_003327.4(TNFRSF4):c.631G>A (p.Gly211Arg)

Gene: TNFRSF4 (TNF receptor superfamily member 4; minus strand). Cytogenetic location: 1p36.33.
Variant type: single nucleotide variant.
Coding change: c.631G>A on transcript NM_003327.4 (MANE Select); coding-DNA position 631, G replaced by A.
Protein change: p.Gly211Arg; replaces glycine 211 with arginine.
Molecular consequence: missense variant.
Genome position (GRCh38, 1-based): chr1:1,211,945, C>T on the plus strand (G>A on the coding strand, the complement: TNFRSF4 is on the minus strand). VCF-style: chr1-1211945-C-T. GRCh37 (hg19) VCF-style: chr1-1147325-C-T.
Other names: short protein forms G211R.
Identifiers: ClinVar variation 950362 (VCV000950362.32), dbSNP rs757565777, ClinGen allele CA512403.